The following is an entry in ClinVar:

NM_198253.3(TERT):c.913_915delinsTTA (p.Ala305Leu)

Gene: TERT (telomerase reverse transcriptase; minus strand). Cytogenetic location: 5p15.33.
Variant type: Indel.
Coding change: c.913_915delinsTTA on transcript NM_198253.3 (MANE Select); coding-DNA positions 913 to 915, GCG replaced by TTA.
Protein change: p.Ala305Leu; replaces alanine 305 with leucine.
Molecular consequence: missense variant. On other transcripts: non-coding transcript variant (2).
Genome position (GRCh38, 1-based): chr5:1,293,971-1,293,973, CGC replaced by TAA on the plus strand (GCG replaced by TTA on the coding strand, the reverse complement: TERT is on the minus strand). VCF-style: chr5-1293971-CGC-TAA. GRCh37 (hg19) VCF-style: chr5-1294086-CGC-TAA.
Other names: c.913_915delinsTTA, p.Ala305Leu (NM_001193376.3); c.913_915delGCGinsTTA, p.Ala305Leu (NM_003219.1); short protein forms A305L.
Identifiers: ClinVar variation 2921406 (VCV002921406.3), dbSNP rs2478417968, ClinGen allele CA2740091660.
Genomic context (GRCh38, chr5:1,293,971, plus strand): 5'-GTACACCGGGGGACAAGGCGTGTCCCAGGGACGTGGTGGCCGCGATGTGGATGGGGGGCC[CGC>TAA]GTGGTGCTGGCGGCCCACGGATGGGTGGGAGTGGCGCGTGCCAGAGAGCGCACCCTCCAA-3'
Protein context (NP_937983.2, residues 295-315): SHPSVGRQHH[Ala305Leu]GPPSTSRPPR

ClinVar aggregate classification (germline): Uncertain significance (1 of 4 stars; one submission).

Conditions:
Dyskeratosis congenita, autosomal dominant 2. Identifiers: MedGen C3151443, MONDO:0013521, OMIM 613989.
Idiopathic Pulmonary Fibrosis. Also called: Idiopathic fibrosing alveolitis, chronic form; idiopathic fibrosing alveolitis. Identifiers: Orphanet 2032, MedGen C1800706, MeSH D054990, MONDO:0800504.

Submission:

Labcorp Genetics (formerly Invitae), Labcorp
Classification: Uncertain significance for Dyskeratosis congenita, autosomal dominant 2; Idiopathic Pulmonary Fibrosis. Last evaluated: 2025-05-14. Review status: criteria provided, single submitter. Criteria: Invitae Variant Classification Sherloc (09022015). Collection method: clinical testing. Allele origin: germline.
Comment: This sequence change replaces alanine, which is neutral and non-polar, with leucine, which is neutral and non-polar, at codon 305 of the TERT protein (p.Ala305Leu). Information on the frequency of this variant in the gnomAD database is not available, as this variant may be reported differently in the database. This variant has not been reported in the literature in individuals affected with TERT-related conditions. ClinVar contains an entry for this variant (Variation ID: 2921406). An algorithm developed to predict the effect of missense changes on protein structure and function (PolyPhen-2) suggests that this variant is likely to be tolerated. In summary, the available evidence is currently insufficient to determine the role of this variant in disease. Therefore, it has been classified as a Variant of Uncertain Significance.